The following is an entry in ClinVar:

ClinVar aggregate classification (germline): Uncertain significance. Review status: criteria provided, multiple submitters, no conflicts (2 of 4 stars). 3 submissions from 3 submitters: Uncertain significance (3). Last evaluated 2024-07-30.

Conditions:
Cardiovascular phenotype. Identifiers: MedGen CN230736.

Allele frequency attached by ClinVar (database versions not stated): gnomAD exomes below 0.00001.
gnomAD v4.1: 2 of 1,614,190 alleles (0.00012%); highest among the groups gnomAD compares: Non-Finnish European, 0.00017%; no homozygotes.

Submissions (3):

Ambry Genetics
Classification: Uncertain significance for Cardiovascular phenotype. Last evaluated: 2024-07-30. Review status: criteria provided, single submitter. Criteria: Ambry Variant Classification Scheme 2023. Collection method: clinical testing. Allele origin: germline.
Comment: The p.P643S variant (also known as c.1927C>T), located in coding exon 16 of the RAF1 gene, results from a C to T substitution at nucleotide position 1927. The proline at codon 643 is replaced by serine, an amino acid with similar properties. This amino acid position is conserved. In addition, this alteration is predicted to be tolerated by in silico analysis. Based on the available evidence, the clinical significance of this variant remains unclear.

Women's Health and Genetics/Laboratory Corporation of America, LabCorp
Classification: Uncertain significance. Last evaluated: 2022-06-16. Review status: criteria provided, single submitter. Criteria: LabCorp Variant Classification Summary - May 2015. Collection method: clinical testing. Allele origin: germline.
Comment: Variant summary: RAF1 c.1927C>T (p.Pro643Ser) results in a non-conservative amino acid change in the encoded protein sequence. Three of five in-silico tools predict a damaging effect of the variant on protein function. The variant was absent in 251246 control chromosomes. The available data on variant occurrences in the general population are insufficient to allow any conclusion about variant significance. To our knowledge, no occurrence of c.1927C>T in individuals affected with Noonan Syndrome and no experimental evidence demonstrating its impact on protein function have been reported. One clinical diagnostic laboratory has submitted clinical-significance assessments for this variant to ClinVar after 2014 and classified the variant as uncertain significance. Based on the evidence outlined above, the variant was classified as uncertain significance.

Laboratory for Molecular Medicine, Mass General Brigham Personalized Medicine
Classification: Uncertain significance. Last evaluated: 2015-12-22. Review status: criteria provided, single submitter. Criteria: LMM Criteria. Collection method: clinical testing. Allele origin: germline. Observed: 1 variant allele.
Comment: The p.Pro643Ser variant in RAF1 has not been previously reported in individuals with a RASopathy disorder and was absent from large population studies. Proline (Pro) at position 643 is not conserved in mammals or evolutionarily distant spec ies and 2 species (bactrian camel, ground finch) carry a serine (Ser) at this po sition, raising the possibility that this change may be tolerated. In summary, t he clinical significance of the p.Pro643Ser variant is uncertain.

NM_002880.4(RAF1):c.1927C>T (p.Pro643Ser)

Gene: RAF1 (Raf-1 proto-oncogene, serine/threonine kinase; minus strand). Cytogenetic location: 3p25.2.
Variant type: single nucleotide variant.
Coding change: c.1927C>T on transcript NM_002880.4 (MANE Select); coding-DNA position 1927, C replaced by T.
Protein change: p.Pro643Ser; replaces proline 643 with serine.
Molecular consequence: missense variant. On other transcripts: non-coding transcript variant (3).
Genome position (GRCh38, 1-based): chr3:12,584,534, G>A on the plus strand (C>T on the coding strand, the complement: RAF1 is on the minus strand). VCF-style: chr3-12584534-G-A. GRCh37 (hg19) VCF-style: chr3-12626033-G-A.
Other names: c.1927C>T, p.Pro643Ser (NM_001354690.3); c.1684C>T, p.Pro562Ser (NM_001354691.3, NM_001354692.3); c.1828C>T, p.Pro610Ser (NM_001354693.3); c.1744C>T, p.Pro582Ser (NM_001354694.3); c.1585C>T, p.Pro529Ser (NM_001354695.3); c.1987C>T, p.Pro663Ser (NM_001354689.3); short protein forms P643S, P562S, P610S, P529S, P582S, P663S.
Identifiers: ClinVar variation 229178 (VCV000229178.7), dbSNP rs876657967, ClinGen allele CA10576599.